The following is an entry in ClinVar:

ClinVar aggregate classification (germline): Likely benign. Review status: criteria provided, multiple submitters, no conflicts (2 of 4 stars). 2 submissions from 2 submitters: Likely benign (2). Last evaluated 2018-06-14.

Allele frequency attached by ClinVar (database versions not stated): 1000 Genomes Project 30x 0.00937; 1000 Genomes Project 0.00998; TOPMed 0.01132; gnomAD 0.01258 and 0.01319; gnomAD exomes 0.01891.
gnomAD v4.1: 17,557 of 972,410 alleles (1.8%); highest among the groups gnomAD compares: South Asian, 3.4%; 222 homozygotes.

Submissions (2):

GeneDx
Classification: Likely benign. Last evaluated: 2018-06-14. Review status: criteria provided, single submitter. Criteria: GeneDx Variant Classification (06012015). Collection method: clinical testing. Allele origin: germline. Affected: yes.
Comment: This variant is considered likely benign or benign based on one or more of the following criteria: it is a conservative change, it occurs at a poorly conserved position in the protein, it is predicted to be benign by multiple in silico algorithms, and/or has population frequency not consistent with disease.

Breakthrough Genomics
Classification: Likely benign. Review status: criteria provided, single submitter. Criteria: ACMG Guidelines, 2015. Collection method: not provided. Allele origin: germline. Inheritance: Autosomal dominant inheritance. Affected: yes.

NM_001271.4(CHD2):c.5153+152A>T

Gene: CHD2 (chromodomain helicase DNA binding protein 2; plus strand). Cytogenetic location: 15q26.1.
Variant type: single nucleotide variant.
Coding change: c.5153+152A>T on transcript NM_001271.4 (MANE Select); 152 bases into the intron after coding-DNA position 5153, A replaced by T.
Molecular consequence: intron variant.
Genome position (GRCh38, 1-based): chr15:93,020,410, A>T. VCF-style: chr15-93020410-A-T. GRCh37 (hg19) VCF-style: chr15-93563640-A-T.
Identifiers: ClinVar variation 677403 (VCV000677403.2), dbSNP rs138642347, ClinGen allele CA14181317.